The following is an entry in ClinVar:

ClinVar aggregate classification (germline): Uncertain significance (1 of 4 stars; one submission).

Conditions:
Hereditary cancer-predisposing syndrome. Also called: Tumor predisposition; Neoplastic Syndromes, Hereditary; Hereditary neoplastic syndrome; Hereditary Cancer Syndrome. Identifiers: Orphanet 140162, MedGen C0027672, MeSH D009386, MONDO:0015356.

Submission:

Ambry Genetics
Classification: Uncertain significance for Hereditary cancer-predisposing syndrome. Last evaluated: 2024-08-22. Review status: criteria provided, single submitter. Criteria: Ambry Variant Classification Scheme 2023. Collection method: clinical testing. Allele origin: germline.
Comment: The p.P509R variant (also known as c.1526C>G), located in coding exon 6 of the BLM gene, results from a C to G substitution at nucleotide position 1526. The proline at codon 509 is replaced by arginine, an amino acid with dissimilar properties. This amino acid position is conserved. In addition, this alteration is predicted to be tolerated by in silico analysis. Based on the available evidence, the clinical significance of this variant remains unclear.

NM_000057.4(BLM):c.1526C>G (p.Pro509Arg)

Gene: BLM (BLM RecQ like helicase; plus strand). Cytogenetic location: 15q26.1.
Variant type: single nucleotide variant.
Coding change: c.1526C>G on transcript NM_000057.4 (MANE Select); coding-DNA position 1526, C replaced by G.
Protein change: p.Pro509Arg; replaces proline 509 with arginine.
Molecular consequence: missense variant.
Genome position (GRCh38, 1-based): chr15:90,760,899, C>G. VCF-style: chr15-90760899-C-G. GRCh37 (hg19) VCF-style: chr15-91304129-C-G.
Other names: c.1526C>G, p.Pro509Arg (NM_001287246.2, NM_001287247.2); c.401C>G, p.Pro134Arg (NM_001287248.2); short protein forms P509R, P134R.
Identifiers: ClinVar variation 3480801 (VCV003480801.1).